The following is an entry in ClinVar:

ClinVar aggregate classification (germline): Uncertain significance (1 of 4 stars; one submission).

gnomAD v4.1: 1 of 1,614,202 alleles (0.000062%); highest among the groups gnomAD compares: Non-Finnish European, 0.000085%; no homozygotes.

Submission:

Labcorp Genetics (formerly Invitae), Labcorp
Classification: Uncertain significance. Last evaluated: 2025-08-29. Review status: criteria provided, single submitter. Criteria: Invitae Variant Classification Sherloc (09022015). Collection method: clinical testing. Allele origin: germline.
Comment: This sequence change replaces threonine, which is neutral and polar, with alanine, which is neutral and non-polar, at codon 174 of the TBX4 protein (p.Thr174Ala). This variant is not present in population databases (gnomAD no frequency). This variant has not been reported in the literature in individuals affected with TBX4-related conditions. An algorithm developed to predict the effect of missense changes on protein structure and function (PolyPhen-2) suggests that this variant is likely to be disruptive. In summary, the available evidence is currently insufficient to determine the role of this variant in disease. Therefore, it has been classified as a Variant of Uncertain Significance.

NM_001321120.2(TBX4):c.520A>G (p.Thr174Ala)

Gene: TBX4 (T-box transcription factor 4; plus strand). Cytogenetic location: 17q23.2.
Variant type: single nucleotide variant.
Coding change: c.520A>G on transcript NM_001321120.2 (MANE Select); coding-DNA position 520, A replaced by G.
Protein change: p.Thr174Ala; replaces threonine 174 with alanine.
Molecular consequence: missense variant.
Genome position (GRCh38, 1-based): chr17:61,467,628, A>G. VCF-style: chr17-61467628-A-G. GRCh37 (hg19) VCF-style: chr17-59544989-A-G.
Other names: c.520A>G, p.Thr174Ala (NM_018488.3); short protein forms T174A.
Identifiers: ClinVar variation 4726192 (VCV004726192.1).
Genomic context (GRCh38, chr17:61,467,628, plus strand): 5'-TCTCCTGCCACAGGAGCCCACTGGATGCGGCAGCTGGTCTCCTTCCAGAAGCTGAAGCTG[A>G]CAAACAACCACCTGGACCCCTTTGGCCATGTAAGCATGGGGGCTGCCTGGCCCCAGGAGG-3'
Protein context (NP_001308049.1, residues 164-184): QLVSFQKLKL[Thr174Ala]NNHLDPFGHI